The following is an entry in ClinVar:

NM_014244.5(ADAMTS2):c.2617+13C>T

Gene: ADAMTS2 (ADAM metallopeptidase with thrombospondin type 1 motif 2; minus strand). Cytogenetic location: 5q35.3.
Variant type: single nucleotide variant.
Coding change: c.2617+13C>T on transcript NM_014244.5 (MANE Select); 13 bases into the intron after coding-DNA position 2617, C replaced by T.
Molecular consequence: intron variant.
Genome position (GRCh38, 1-based): chr5:179,127,946, G>A on the plus strand (C>T on the coding strand, the complement: ADAMTS2 is on the minus strand). VCF-style: chr5-179127946-G-A. GRCh37 (hg19) VCF-style: chr5-178554947-G-A.
Identifiers: ClinVar variation 513037 (VCV000513037.4), dbSNP rs756651045, ClinGen allele CA3595503.

ClinVar aggregate classification (germline): Likely benign. Review status: criteria provided, multiple submitters, no conflicts (2 of 4 stars). 2 submissions from 2 submitters: Likely benign (2). Last evaluated 2025-02-18.

Conditions:
Ehlers-Danlos syndrome, dermatosparaxis type. Also called: Dermatosparaxis; EDS VIIC; Ehlers-Danlos syndrome, type VII, autosomal recessive. Identifiers: Orphanet 1901, MedGen C2700425, MONDO:0009161, OMIM 225410.

Allele frequency attached by ClinVar (database versions not stated): TOPMed 0.00001.
gnomAD v4.1: 21 of 1,612,992 alleles (0.0013%); highest among the groups gnomAD compares: Admixed American, 0.0067%; no homozygotes.

Submissions (2):

Labcorp Genetics (formerly Invitae), Labcorp
Classification: Likely benign for Ehlers-Danlos syndrome, dermatosparaxis type. Last evaluated: 2025-02-18. Review status: criteria provided, single submitter. Criteria: Invitae Variant Classification Sherloc (09022015). Collection method: clinical testing. Allele origin: germline.

GeneDx
Classification: Likely benign. Last evaluated: 2017-11-03. Review status: criteria provided, single submitter. Criteria: GeneDx Variant Classification (06012015). Collection method: clinical testing. Allele origin: germline. Affected: yes.
Comment: This variant is considered likely benign or benign based on one or more of the following criteria: it is a conservative change, it occurs at a poorly conserved position in the protein, it is predicted to be benign by multiple in silico algorithms, and/or has population frequency not consistent with disease.